The following is an entry in ClinVar:

ClinVar aggregate classification (germline): Pathogenic (1 of 4 stars; one submission).

Conditions:
Maple syrup urine disease (MSUD). Identifiers: Orphanet 511, MedGen C0024776, MeSH D008375, MONDO:0009563. Disease mechanism: loss of function.

Submission:

Labcorp Genetics (formerly Invitae), Labcorp
Classification: Pathogenic for Maple syrup urine disease. Last evaluated: 2021-06-01. Review status: criteria provided, single submitter. Criteria: Invitae Variant Classification Sherloc (09022015). Collection method: clinical testing. Allele origin: germline.
Comment: For these reasons, this variant has been classified as Pathogenic. This variant has not been reported in the literature in individuals with DBT-related conditions. This variant is not present in population databases (ExAC no frequency). This sequence change creates a premature translational stop signal (p.Ala173Leufs*14) in the DBT gene. It is expected to result in an absent or disrupted protein product. Loss-of-function variants in DBT are known to be pathogenic (PMID: 16579849, 16786533).

Literature cited by the submitters: PubMed 16579849; PubMed 16786533.

NM_001918.5(DBT):c.516_522del (p.Ala173fs)

Gene: DBT (dihydrolipoamide branched chain transacylase E2; minus strand). Cytogenetic location: 1p21.2.
Variant type: Deletion.
Coding change: c.516_522del on transcript NM_001918.5 (MANE Select); coding-DNA positions 516 to 522, 7 bases deleted (GGCAACT; older notation c.516_522delGGCAACT).
Protein change: p.Ala173fs; shifts the reading frame from alanine 173.
Molecular consequence: frameshift variant.
Genome position (GRCh38, 1-based): chr1:100,218,659-100,218,665, AGTTGCC deleted on the plus strand (GGCAACT on the coding strand, the reverse complement: DBT is on the minus strand); deleting any 7 consecutive bases within chr1:100,218,659-100,218,668 gives the same sequence; the c. name uses the placement nearest the transcript's 3' end. VCF-style (leftmost placement, unchanged base first): chr1-100218658-GAGTTGCC-G. GRCh37 (hg19) VCF-style: chr1-100684214-GAGTTGCC-G.
Other names: short protein forms A173fs.
Identifiers: ClinVar variation 1452071 (VCV001452071.6), dbSNP rs2100804340, ClinGen allele CA2573130840.